The following is an entry in ClinVar:

ClinVar aggregate classification (germline): Uncertain significance (1 of 4 stars; one submission).

Allele frequency attached by ClinVar (database versions not stated): TOPMed below 0.00001; gnomAD 0.00001.
gnomAD v4.1: 9 of 1,614,024 alleles (0.00056%); highest among the groups gnomAD compares: Non-Finnish European, 0.00076%; no homozygotes.

Submission:

Labcorp Genetics (formerly Invitae), Labcorp
Classification: Uncertain significance. Last evaluated: 2020-11-03. Review status: criteria provided, single submitter. Criteria: Invitae Variant Classification Sherloc (09022015). Collection method: clinical testing. Allele origin: germline.
Comment: In summary, the available evidence is currently insufficient to determine the role of this variant in disease. Therefore, it has been classified as a Variant of Uncertain Significance. Algorithms developed to predict the effect of sequence changes on RNA splicing suggest that this variant may create or strengthen a splice site, but this prediction has not been confirmed by published transcriptional studies. Algorithms developed to predict the effect of missense changes on protein structure and function (SIFT, PolyPhen-2, Align-GVGD) all suggest that this variant is likely to be tolerated, but these predictions have not been confirmed by published functional studies and their clinical significance is uncertain. This variant has not been reported in the literature in individuals with PSMG2-related conditions. This variant is not present in population databases (ExAC no frequency). This sequence change replaces asparagine with serine at codon 40 of the PSMG2 protein (p.Asn40Ser). The asparagine residue is moderately conserved and there is a small physicochemical difference between asparagine and serine.

NM_020232.5(PSMG2):c.119A>G (p.Asn40Ser)

Gene: PSMG2 (proteasome assembly chaperone 2; plus strand). Cytogenetic location: 18p11.21.
Variant type: single nucleotide variant.
Coding change: c.119A>G on transcript NM_020232.5 (MANE Select); coding-DNA position 119, A replaced by G.
Protein change: p.Asn40Ser; replaces asparagine 40 with serine.
Molecular consequence: missense variant.
Genome position (GRCh38, 1-based): chr18:12,706,611, A>G. VCF-style: chr18-12706611-A-G. GRCh37 (hg19) VCF-style: chr18-12706610-A-G.
Other names: c.26A>G, p.Asn9Ser (NM_147163.2); short protein forms N40S, N9S.
Identifiers: ClinVar variation 1524860 (VCV001524860.8), dbSNP rs1239127289, ClinGen allele CA401964859.